The following is an entry in ClinVar:

NM_020320.5(RARS2):c.769A>C (p.Lys257Gln)

Gene: RARS2 (arginyl-tRNA synthetase 2, mitochondrial; minus strand). Cytogenetic location: 6q15.
Variant type: single nucleotide variant.
Coding change: c.769A>C on transcript NM_020320.5 (MANE Select); coding-DNA position 769, A replaced by C.
Protein change: p.Lys257Gln; replaces lysine 257 with glutamine.
Molecular consequence: missense variant. On other transcripts: non-coding transcript variant (23).
Genome position (GRCh38, 1-based): chr6:87,530,786, T>G on the plus strand (A>C on the coding strand, the complement: RARS2 is on the minus strand). VCF-style: chr6-87530786-T-G. GRCh37 (hg19) VCF-style: chr6-88240504-T-G.
Other names: c.244A>C, p.Lys82Gln (NM_001318785.2, NM_001350506.2, NM_001350507.2 and 4 more transcripts); c.769A>C, p.Lys257Gln (NM_001350505.2); short protein forms K257Q, K82Q.
Identifiers: ClinVar variation 1713505 (VCV001713505.3), dbSNP rs960558327, ClinGen allele CA364929135.

ClinVar aggregate classification (germline): Uncertain significance (1 of 4 stars; one submission).

gnomAD v4.1: 1 of 1,614,138 alleles (0.000062%); highest among the groups gnomAD compares: Non-Finnish European, 0.000085%; no homozygotes.

Submission:

Labcorp Genetics (formerly Invitae), Labcorp
Classification: Uncertain significance. Last evaluated: 2022-07-23. Review status: criteria provided, single submitter. Criteria: Invitae Variant Classification Sherloc (09022015). Collection method: clinical testing. Allele origin: germline.
Comment: This sequence change replaces lysine, which is basic and polar, with glutamine, which is neutral and polar, at codon 257 of the RARS2 protein (p.Lys257Gln). This variant is not present in population databases (gnomAD no frequency). This variant has not been reported in the literature in individuals affected with RARS2-related conditions. Algorithms developed to predict the effect of missense changes on protein structure and function output the following: SIFT: "Tolerated"; PolyPhen-2: "Benign"; Align-GVGD: "Class C0". The glutamine amino acid residue is found in multiple mammalian species, which suggests that this missense change does not adversely affect protein function. In summary, the available evidence is currently insufficient to determine the role of this variant in disease. Therefore, it has been classified as a Variant of Uncertain Significance.